The following is an entry in ClinVar:

ClinVar aggregate classification (germline): Conflicting classifications of pathogenicity. Review status: criteria provided, conflicting classifications (1 of 4 stars). 6 submissions from 6 submitters: Uncertain significance (2); Likely benign (3). 1 of the submissions does not count toward it. Last evaluated 2026-08-04.

Conditions:
TRIOBP-related disorder. Also called: TRIOBP-related condition.

Allele frequency attached by ClinVar (database versions not stated): 1000 Genomes Project 30x 0.00031; 1000 Genomes Project 0.00040; gnomAD 0.00052 and 0.00058; gnomAD exomes 0.00052 and 0.00094; TOPMed 0.00053; ExAC 0.00061; ESP Exome Variant Server 0.00073.

Submissions (6):

GeneDx
Classification: Uncertain significance. Last evaluated: 2026-08-04. Review status: criteria provided, single submitter. Criteria: GeneDx Variant Classification Process June 2021. Collection method: clinical testing. Allele origin: germline.
Comment: Has not been previously published as pathogenic or benign to our knowledge; In silico analysis suggests this variant may impact gene splicing. In the absence of RNA/functional studies, the actual effect of this sequence change is unknown.

Labcorp Genetics (formerly Invitae), Labcorp
Classification: Likely benign. Last evaluated: 2026-01-18. Review status: criteria provided, single submitter. Criteria: Invitae Variant Classification Sherloc (09022015). Collection method: clinical testing. Allele origin: germline.

Blueprint Genetics
Classification: Likely benign. Last evaluated: 2024-11-13. Review status: criteria provided, single submitter. Criteria: ACMG Guidelines, 2015. Collection method: clinical testing. Allele origin: germline.

Eurofins Ntd Llc (ga)
Classification: Uncertain significance. Last evaluated: 2018-01-30. Review status: criteria provided, single submitter. Criteria: EGL Classification Definitions 2015. Collection method: clinical testing. Allele origin: germline. Observed: 1 variant allele, 1 heterozygote.

Laboratory for Molecular Medicine, Mass General Brigham Personalized Medicine
Classification: Likely benign. Last evaluated: 2015-12-22. Review status: criteria provided, single submitter. Criteria: LMM Criteria. Collection method: clinical testing. Allele origin: germline. Observed: 1 variant allele.
Comment: p.Gln2257Gln in Exon 21 of TRIOBP: This variant is not expected to have clinical significance because it does not alter an amino acid residue, is not located wi thin the splice consensus sequence, and has been identified in 0.1% (55/53588) o f European chromosomes by the Exome Aggregation Consortium (dbSNP rs200793989).

PreventionGenetics, part of Exact Sciences
Classification: Likely benign for TRIOBP-related condition. Last evaluated: 2024-07-12. Review status: no assertion criteria provided. Collection method: clinical testing. Allele origin: germline. Not counted in ClinVar's aggregate classification.
Comment: This variant is classified as likely benign based on ACMG/AMP sequence variant interpretation guidelines (Richards et al. 2015 PMID: 25741868, with internal and published modifications).

NM_001039141.3(TRIOBP):c.6771G>A (p.Gln2257=)

Gene: TRIOBP (TRIO and F-actin binding protein; plus strand). Cytogenetic location: 22q13.1.
Variant type: single nucleotide variant.
Coding change: c.6771G>A on transcript NM_001039141.3 (MANE Select); coding-DNA position 6771, G replaced by A.
Protein change: p.Gln2257=; no amino-acid change (glutamine 2257 retained).
Molecular consequence: synonymous variant.
Genome position (GRCh38, 1-based): chr22:37,769,297, G>A. VCF-style: chr22-37769297-G-A. GRCh37 (hg19) VCF-style: chr22-38165304-G-A.
Other names: c.1632G>A, p.Gln544= (NM_007032.5).
Identifiers: ClinVar variation 228042 (VCV000228042.26), dbSNP rs200793989, ClinGen allele CA10225185.